The following is an entry in ClinVar:

NM_000091.5(COL4A3):c.2863G>A (p.Gly955Arg)

Genes: COL4A3 (collagen type IV alpha 3 chain; plus strand), MFF-DT (MFF divergent transcript; minus strand). Cytogenetic location: 2q36.3.
Variant type: single nucleotide variant.
Coding change: c.2863G>A on transcript NM_000091.5 (MANE Select); coding-DNA position 2863, G replaced by A.
Protein change: p.Gly955Arg; replaces glycine 955 with arginine.
Molecular consequence: missense variant.
Genome position (GRCh38, 1-based): chr2:227,284,327, G>A. VCF-style: chr2-227284327-G-A. GRCh37 (hg19) VCF-style: chr2-228149043-G-A.
Other names: short protein forms G955R.
Identifiers: ClinVar variation 2444399 (VCV002444399.7), dbSNP rs771818723, ClinGen allele CA2147041.

ClinVar aggregate classification (germline): Pathogenic/Likely pathogenic. Review status: criteria provided, multiple submitters, no conflicts (2 of 4 stars). 2 submissions from 2 submitters: Pathogenic (1); Likely pathogenic (1). Last evaluated 2026-01-06.

Conditions:
Alport syndrome. Also called: Hemorrhagic familial nephritis; Hemorrhagic hereditary nephritis; Congenital hereditary hematuria. Identifiers: Orphanet 63, MedGen C1567741, MONDO:0018965.
Alport syndrome 3b, autosomal recessive. Identifiers: MedGen C5882699, MONDO:0957811, OMIM 620536.

Allele frequency attached by ClinVar (database versions not stated): gnomAD exomes 0.00001; ExAC 0.00001.
gnomAD v4.1: 4 of 1,613,860 alleles (0.00025%); highest among the groups gnomAD compares: East Asian, 0.0089%; no homozygotes.

Submissions (2):

3billion
Classification: Likely pathogenic for Alport syndrome 3b, autosomal recessive. Last evaluated: 2026-01-06. Review status: criteria provided, single submitter. Criteria: ACMG Guidelines, 2015. Collection method: clinical testing. Allele origin: germline. Affected: yes.
Comment: The variant is observed at an extremely low frequency in the gnomAD v4.1.0 dataset (total allele frequency: <0.001%). Predicted Consequence/Location: The variant is located in a mutational hot spot and/or well-established functional domain in which established pathogenic variants have been reported (PMID: 30311386, 27627812). In silico tool predictions suggest damaging effect of the variant on gene or gene product [REVEL: 0.98 (>=0.6, sensitivity 0.68 and specificity 0.92); 3Cnet: 0.91 (> 0.75, sensitivity 0.96 and precision 0.92)]. The same nucleotide change resulting in the same amino acid change has been previously reported to be associated with COL4A3-related disorder (ClinVar ID: VCV002444399 /PMID: 28704582 /3billion dataset). Different missense changes at the same codon (p.Gly955Glu, p.Gly955Val) have been reported as pathogenic/likely pathogenic with strong evidence (ClinVar ID: VCV001804096, VCV003236150). Therefore, this variant is classified as Likely pathogenic according to the recommendation of ACMG/AMP guideline.

Natera, Inc.
Classification: Pathogenic for Alport syndrome. Last evaluated: 2025-08-29. Review status: criteria provided, single submitter. Criteria: Natera Variant Classification Schema (03/2026). Collection method: clinical testing. Allele origin: germline.
Comment: The c.2863G>A variant in COL4A3 is a missense variant predicted to cause substitution of glycine to arginine at amino acid 955. This variant is rare in the general population with a frequency below the threshold expected for the associated phenotype(s). This variant has been observed in one or more individuals affected with the associated recessive disease, as either homozygous or compound heterozygous with a second variant (PMID: 35369551). This variant is located in a functionally critical region of the protein. Computational prediction algorithms indicate this variant is likely to affect gene or protein function. Given the available evidence, this variant is classified as Pathogenic.

Literature cited by the submitters: PubMed 28704582 (cited by 3billion); PubMed 35369551 (cited by Natera, Inc.).